The following is an entry in ClinVar:

ClinVar aggregate classification (germline): Conflicting classifications of pathogenicity. Review status: criteria provided, conflicting classifications (1 of 4 stars). 2 submissions from 2 submitters: Likely pathogenic (1); Uncertain significance (1). Last evaluated 2024-03-13.

Conditions:
Polycystic kidney disease, adult type (PKD1). Also called: Polycystic Kidney, Autosomal Dominant; POLYCYSTIC KIDNEY DISEASE, ADULT, TYPE I; Polycystic Kidney Disease 1, Autosomal Dominant; Polycystic kidney disease 1; Polycystic kidney disease 1, severe; POLYCYSTIC KIDNEY DISEASE 1 WITH OR WITHOUT POLYCYSTIC LIVER DISEASE. Identifiers: MedGen C3149841, MONDO:0008263, OMIM 173900.

Submissions (2):

Fulgent Genetics
Classification: Likely pathogenic for Polycystic kidney disease, adult type. Last evaluated: 2024-03-13. Review status: criteria provided, single submitter. Criteria: ACMG Guidelines, 2015. Collection method: clinical testing. Allele origin: germline.

Juno Genomics, Hangzhou Juno Genomics, Inc
Classification: Uncertain significance for Polycystic kidney disease, adult type. Review status: criteria provided, single submitter. Criteria: ACMG Guidelines, 2015. Collection method: clinical testing. Allele origin: germline. Affected: yes.
Comment: Absent from controls (or at extremely low frequency if recessive) in Genome Aggregation Database.;The prevalence of the variant in affected individuals is significantly increased compared to the prevalence in controls.;Patient's phenotype or family history is highly specific for a disease with a single genetic etiology.

NM_001009944.3(PKD1):c.6890A>C (p.His2297Pro)

Gene: PKD1 (polycystin 1, transient receptor potential channel interacting; minus strand). Cytogenetic location: 16p13.3.
Variant type: single nucleotide variant.
Coding change: c.6890A>C on transcript NM_001009944.3 (MANE Select); coding-DNA position 6890, A replaced by C.
Protein change: p.His2297Pro; replaces histidine 2297 with proline.
Molecular consequence: missense variant.
Genome position (GRCh38, 1-based): chr16:2,108,277, T>G on the plus strand (A>C on the coding strand, the complement: PKD1 is on the minus strand). VCF-style: chr16-2108277-T-G. GRCh37 (hg19) VCF-style: chr16-2158278-T-G.
Other names: c.6890A>C, p.His2297Pro (NM_000296.4); short protein forms H2297P.
Identifiers: ClinVar variation 3579323 (VCV003579323.3).
Genomic context (GRCh38, chr16:2,108,277, plus strand): 5'-GAGGGGCATGGAGGACGGCCCTGCCACGCACTGACCTGTGTCGAAGCCACACAGGCCCAG[T>G]GGAAACTGAGCGGCGTCTGGTCGCCGTCCTCCAGGTTGGGGTCGTAGGACTCGCTCCCAT-3'
Protein context (NP_001009944.3, residues 2287-2307): EDGDQTPLSF[His2297Pro]WACVASTQRE